The following is an entry in ClinVar:

ClinVar aggregate classification (germline): Uncertain significance (1 of 4 stars; one submission).

Conditions:
Hereditary cancer-predisposing syndrome. Also called: Tumor predisposition; Neoplastic Syndromes, Hereditary; Hereditary Cancer Syndrome; Hereditary neoplastic syndrome. Identifiers: Orphanet 140162, MedGen C0027672, MeSH D009386, MONDO:0015356.
Familial thoracic aortic aneurysm and aortic dissection (TAAD). Also called: Thoracic aortic aneurysms and dissections. Identifiers: Orphanet 91387, MedGen C4707243, MONDO:0019625.

Submission:

Ambry Genetics
Classification: Uncertain significance for Hereditary cancer-predisposing syndrome; Familial thoracic aortic aneurysm and aortic dissection. Last evaluated: 2026-06-16. Review status: criteria provided, single submitter. Criteria: Ambry Variant Classification Scheme 2023. Collection method: clinical testing. Allele origin: germline.
Comment: The p.C115Y variant (also known as c.344G>A), located in coding exon 2 of the SMAD4 gene, results from a G to A substitution at nucleotide position 344. The cysteine at codon 115 is replaced by tyrosine, an amino acid with highly dissimilar properties. This amino acid position is highly conserved in available vertebrate species. In addition, this alteration is predicted to be deleterious by in silico analysis. Based on the available evidence, the clinical significance of this variant remains unclear.

NM_005359.6(SMAD4):c.344G>A (p.Cys115Tyr)

Gene: SMAD4 (SMAD family member 4; plus strand). Cytogenetic location: 18q21.2.
Variant type: single nucleotide variant.
Coding change: c.344G>A on transcript NM_005359.6 (MANE Select); coding-DNA position 344, G replaced by A.
Protein change: p.Cys115Tyr; replaces cysteine 115 with tyrosine.
Molecular consequence: missense variant.
Genome position (GRCh38, 1-based): chr18:51,048,780, G>A. VCF-style: chr18-51048780-G-A. GRCh37 (hg19) VCF-style: chr18-48575150-G-A.
Other names: short protein forms C115Y.
Identifiers: ClinVar variation 232570 (VCV000232570.6), dbSNP rs876659844, ClinGen allele CA10580974.